The following is an entry in ClinVar:

ClinVar aggregate classification (germline): Pathogenic (1 of 4 stars; one submission).

Conditions:
Stromme syndrome (STROMS). Also called: APPLE PEEL SYNDROME WITH MICROCEPHALY AND OCULAR ANOMALIES; Ciliary dyskinesia, primary, 31; Strømme Syndrome. Identifiers: Orphanet 444069, Orphanet 506307, MedGen C1855705, MONDO:0009477, OMIM 243605.

Submission:

Center for Precision Genome Editing and Genetic Technologies for Biomedicine, Pirogov Russian National Research Medical University
Classification: Pathogenic for Stromme syndrome. Review status: criteria provided, single submitter. Criteria: ACMG Guidelines, 2015. Collection method: clinical testing. Allele origin: unknown. Inheritance: Autosomal recessive inheritance. Affected: yes.
Comment: CENPF(NM_016343.4):c.3764C>A (p.Ser1255Ter) is a nonsense variant that leads to the formation of a premature stop codon, which will result in a reduction in the amount of protein product - PVS1. This variant has not been detected in control samples nor in patients with Stromme syndrome, OMIM: 243605, hence the PM2 criterion applies. Additionally, the description of the proband is very similar to clinical cases described, hence the PP4 criterion applies. BayesDel addAF and BayesDel no AF programs are considered a pathogenic option, PP3 criterion.

NM_016343.4(CENPF):c.3764C>A (p.Ser1255Ter)

Gene: CENPF (centromere protein F; plus strand). Cytogenetic location: 1q41.
Variant type: single nucleotide variant.
Coding change: c.3764C>A on transcript NM_016343.4 (MANE Select); coding-DNA position 3764, C replaced by A.
Protein change: p.Ser1255Ter; replaces serine 1255 with a stop codon.
Molecular consequence: nonsense.
Genome position (GRCh38, 1-based): chr1:214,642,102, C>A. VCF-style: chr1-214642102-C-A. GRCh37 (hg19) VCF-style: chr1-214815445-C-A.
Other names: short protein forms S1255*.
Identifiers: ClinVar variation 3572957 (VCV003572957.2).